The following is an entry in ClinVar:

NM_001458.5(FLNC):c.6120C>T (p.Asp2040=)

Genes: FLNC-AS1 (FLNC antisense RNA 1; minus strand), FLNC (filamin C; plus strand). Cytogenetic location: 7q32.1.
Variant type: single nucleotide variant.
Coding change: c.6120C>T on transcript NM_001458.5 (MANE Select); coding-DNA position 6120, C replaced by T.
Protein change: p.Asp2040=; no amino-acid change (aspartic acid 2040 retained).
Molecular consequence: synonymous variant.
Genome position (GRCh38, 1-based): chr7:128,852,943, C>T. VCF-style: chr7-128852943-C-T. GRCh37 (hg19) VCF-style: chr7-128492997-C-T.
Other names: c.6021C>T, p.Asp2007= (NM_001127487.2).
Identifiers: ClinVar variation 383328 (VCV000383328.21), dbSNP rs116974302, ClinGen allele CA4475891.

ClinVar aggregate classification (germline): Benign/Likely benign. Review status: criteria provided, multiple submitters, no conflicts (2 of 4 stars). 9 submissions from 9 submitters: Benign (6); Likely benign (1). 2 of the submissions do not count toward it. Last evaluated 2026-02-03.

Conditions:
Distal myopathy with posterior leg and anterior hand involvement. Also called: WILLIAMS DISTAL MYOPATHY. Identifiers: Orphanet 63273, MedGen C3279722, MONDO:0013550, OMIM 614065.
Hypertrophic cardiomyopathy 26. Also called: Cardiomyopathy, familial hypertrophic, 26. Identifiers: Orphanet 75249, MedGen C4310749, MONDO:0014883, OMIM 617047.
Myofibrillar myopathy 5. Also called: Filaminopathy (type); FILAMINOPATHY, AUTOSOMAL DOMINANT. Identifiers: Orphanet 171445, MedGen C1836050, MONDO:0012289, OMIM 609524.
Cardiovascular phenotype. Identifiers: MedGen CN230736.

Allele frequency attached by ClinVar (database versions not stated): ESP Exome Variant Server 0.00008; gnomAD 0.00039 and 0.00063; gnomAD exomes 0.00052 and 0.00132; TOPMed 0.00092; ExAC 0.00127; 1000 Genomes Project 30x 0.00297; 1000 Genomes Project 0.00339.
gnomAD v4.1: 877 of 1,613,570 alleles (0.054%); highest among the groups gnomAD compares: East Asian, 1.5%; 8 homozygotes.

Submissions (9):

Labcorp Genetics (formerly Invitae), Labcorp
Classification: Benign for Distal myopathy with posterior leg and anterior hand involvement; Myofibrillar myopathy 5; Hypertrophic cardiomyopathy 26. Last evaluated: 2026-02-03. Review status: criteria provided, single submitter. Criteria: Invitae Variant Classification Sherloc (09022015). Collection method: clinical testing. Allele origin: germline.

Molecular Diagnostic Laboratory for Inherited Cardiovascular Disease, Montreal Heart Institute
Classification: Benign. Last evaluated: 2025-07-24. Review status: criteria provided, single submitter. Criteria: ACMG Guidelines, 2015. Collection method: clinical testing. Allele origin: germline. Affected: no.

Blueprint Genetics
Classification: Likely benign. Last evaluated: 2024-11-27. Review status: criteria provided, single submitter. Criteria: ACMG Guidelines, 2015. Collection method: clinical testing. Allele origin: germline.

Women's Health and Genetics/Laboratory Corporation of America, LabCorp
Classification: Benign. Last evaluated: 2023-11-20. Review status: criteria provided, single submitter. Criteria: LabCorp Variant Classification Summary - May 2015. Collection method: clinical testing. Allele origin: germline.

Ambry Genetics
Classification: Benign for Cardiovascular phenotype. Last evaluated: 2019-06-11. Review status: criteria provided, single submitter. Criteria: Ambry Variant Classification Scheme 2023. Collection method: clinical testing. Allele origin: germline.

Athena Diagnostics
Classification: Benign. Last evaluated: 2018-04-09. Review status: criteria provided, single submitter. Criteria: Athena Diagnostics Criteria. Collection method: clinical testing. Allele origin: germline.

GeneDx
Classification: Benign. Last evaluated: 2016-05-20. Review status: criteria provided, single submitter. Criteria: GeneDx Variant Classification (06012015). Collection method: clinical testing. Allele origin: germline. Affected: yes.
Comment: This variant is considered likely benign or benign based on one or more of the following criteria: it is a conservative change, it occurs at a poorly conserved position in the protein, it is predicted to be benign by multiple in silico algorithms, and/or has population frequency not consistent with disease.

Clinical Genetics, Academic Medical Center
Classification: Benign. Review status: no assertion criteria provided. Collection method: clinical testing. Allele origin: germline. Affected: yes. Study: VKGL Data-share Consensus. Not counted in ClinVar's aggregate classification.

Joint Genome Diagnostic Labs from Nijmegen and Maastricht, Radboudumc and MUMC+
Classification: Likely benign. Review status: no assertion criteria provided. Collection method: clinical testing. Allele origin: germline. Affected: yes. Study: VKGL Data-share Consensus. Not counted in ClinVar's aggregate classification.